The following is an entry in ClinVar:

NM_014738.6(TMEM94):c.1256_1257del (p.Gln419fs)

Gene: TMEM94 (transmembrane protein 94; plus strand). Cytogenetic location: 17q25.1.
Variant type: Deletion.
Coding change: c.1256_1257del on transcript NM_014738.6 (MANE Select); coding-DNA positions 1256 to 1257, 2 bases deleted (AG; older notation c.1256_1257delAG).
Protein change: p.Gln419fs; shifts the reading frame from glutamine 419.
Molecular consequence: frameshift variant.
Genome position (GRCh38, 1-based): chr17:75,491,325-75,491,326, AG deleted. VCF-style (leftmost placement, unchanged base first): chr17-75491324-CAG-C. GRCh37 (hg19) VCF-style: chr17-73487405-CAG-C.
Other names: NM_001351203.2:c.1286_1287del; c.1286_1287del, p.Gln429fs (NM_001321148.2, NM_001351203.2); c.1256_1257del, p.Gln419fs (NM_001321149.2, NM_001351202.2); c.1256_1257delAG (NM_014738.6); short protein forms Q419fs, Q429fs.
Identifiers: ClinVar variation 3075962 (VCV003075962.8), dbSNP rs2052160365, ClinGen allele CA986323653.

ClinVar aggregate classification (germline): Pathogenic/Likely pathogenic. Review status: criteria provided, multiple submitters, no conflicts (2 of 4 stars). 5 submissions from 5 submitters: Pathogenic (2); Likely pathogenic (3). Last evaluated 2026-03-04.

Conditions:
Rare syndromic intellectual disability. Identifiers: Orphanet 102369, MedGen C5681780.
Intellectual developmental disorder with cardiac defects and dysmorphic facies (IDDCDF). Identifiers: Orphanet 562569, MedGen C5193024, MONDO:0032672, OMIM 618316.

Allele frequency attached by ClinVar (database versions not stated): gnomAD 0.00001; gnomAD exomes 0.00001; TOPMed 0.00001.

Submissions (5):

Women's Health and Genetics/Laboratory Corporation of America, LabCorp
Classification: Pathogenic for Intellectual developmental disorder with cardiac defects and dysmorphic facies. Last evaluated: 2026-03-04. Review status: criteria provided, single submitter. Criteria: LabCorp Variant Classification Summary - May 2015. Collection method: clinical testing. Allele origin: germline.
Comment: Variant summary: TMEM94 c.1256_1257delAG (p.Gln419ArgfsX28) results in a premature termination codon, predicted to cause a truncation of the encoded protein or absence of the protein due to nonsense mediated decay, which are commonly known mechanisms for disease. The variant was absent in 251440 control chromosomes (gnomAD). To our knowledge, no occurrence of c.1256_1257delAG in individuals affected with TMEM94-related conditions and no experimental evidence demonstrating its impact on protein function have been reported. ClinVar contains an entry for this variant (Variation ID: 3075962). Based on the evidence outlined above, the variant was classified as pathogenic.

Broad Center for Mendelian Genomics, Broad Institute of MIT and Harvard
Classification: Likely pathogenic for Intellectual developmental disorder with cardiac defects and dysmorphic facies. Last evaluated: 2026-03-02. Review status: criteria provided, single submitter. Criteria: ACMG Guidelines, 2015. Collection method: research. Allele origin: germline. Inheritance: Autosomal recessive inheritance.
Comment: Trio exome analysis revealed that this variant was in trans with the pathogenic variant. The p.Gln419ArgfsTer28 variant in TMEM94 has not been previously reported in the literature in individuals with intellectual developmental disorder with cardiac defects and dysmorphic facies and was absent from large population studies. This variant is predicted to cause a frameshift, which alters the protein’s amino acid sequence beginning at position 419 and leads to a premature termination codon 28 amino acids downstream. This alteration is then predicted to lead to a truncated or absent protein. Loss of function of the TMEM94 gene is an established disease mechanism in autosomal recessive intellectual developmental disorder with cardiac defects and dysmorphic facies. In summary, although additional studies are required to fully establish its clinical significance, this variant is likely pathogenic for autosomal recessive intellectual developmental disorder with cardiac defects and dysmorphic facies. ACMG/AMP Criteria applied: PVS1, PM2_supporting (Richards 2015).

Laboratory for Molecular Medicine, Mass General Brigham Personalized Medicine
Classification: Pathogenic for Rare syndromic intellectual disability. Last evaluated: 2023-10-25. Review status: criteria provided, single submitter. Criteria: ACMG Guidelines, 2015. Collection method: clinical testing. Allele origin: germline. Inheritance: Autosomal recessive inheritance.
Comment: It has also been identified in 0.002% (1/41476) of African chromosomes by gnomAD. However, this frequency is low enough to be consistent with a recessive allele frequency. This variant is predicted to cause a frameshift, which alters the protein’s amino acid sequence beginning at position 429 and leads to a premature termination codon 28 amino acids downstream. This is predicted to result in a truncated or absent protein. Loss of function of the TMEM94 gene is an established disease mechanism in autosomal recessive IDDCDF (Stephen 2018 PMID: 30526868). In summary, this variant meets criteria to be classified as pathogenic for autosomal recessive IDDCDF. ACMG/AMP Criteria applied: PVS1, PM3, PM2_Supporting.

Juno Genomics, Hangzhou Juno Genomics, Inc
Classification: Likely pathogenic for Intellectual developmental disorder with cardiac defects and dysmorphic facies. Review status: criteria provided, single submitter. Criteria: ACMG Guidelines, 2015. Collection method: clinical testing. Allele origin: germline.
Comment: Null variant in a gene where loss of function (LOF) is a known mechanism of disease.;Absent from controls (or at extremely low frequency if recessive) in Genome Aggregation Database.

Neuberg Centre For Genomic Medicine, NCGM
Classification: Likely pathogenic for Intellectual developmental disorder with cardiac defects and dysmorphic facies. Review status: criteria provided, single submitter. Criteria: ACMG Guidelines, 2015. Collection method: clinical testing. Allele origin: germline. Inheritance: Autosomal recessive inheritance. Affected: yes.
Comment: The observed frameshift variant c.1256_1257del(p.Gln419ArgfsTer28) in the TMEM94 gene has not been reported previously as a pathogenic variant nor as a benign variant, to our knowledge. This variant is absent in the gnomAD Exomes. This variant causes a frameshift starting with codon Glutamine 419, changes this amino acid to Arginine residue, and creates a premature Stop codon at position 28 of the new reading frame, denoted p.Gln419ArgfsTer28. This variant is predicted to cause loss of normal protein function through protein truncation. Loss of function variants have been previously reported to be disease causing (Al-Hamed MH, et al., 2020). For these reasons, this variant has been classified as Likely Pathogenic. In the absence of another reportable variant, the molecular diagnosis is not confirmed.